The following is an entry in ClinVar:

ClinVar aggregate classification (germline): Likely pathogenic (1 of 4 stars; one submission).

Submission:

Labcorp Genetics (formerly Invitae), Labcorp
Classification: Likely pathogenic. Last evaluated: 2023-02-05. Review status: criteria provided, single submitter. Criteria: Invitae Variant Classification Sherloc (09022015). Collection method: clinical testing. Allele origin: germline.
Comment: This variant has not been reported in the literature in individuals affected with ACAD9-related conditions. This sequence change affects a donor splice site in intron 16 of the ACAD9 gene. It is expected to disrupt RNA splicing. Variants that disrupt the donor or acceptor splice site typically lead to a loss of protein function (PMID: 16199547), and loss-of-function variants in ACAD9 are known to be pathogenic (PMID: 25721401). This variant is not present in population databases (gnomAD no frequency). Algorithms developed to predict the effect of sequence changes on RNA splicing suggest that this variant may disrupt the consensus splice site. In summary, the currently available evidence indicates that the variant is pathogenic, but additional data are needed to prove that conclusively. Therefore, this variant has been classified as Likely Pathogenic.

Literature cited by the submitters: PubMed 16199547; PubMed 25721401.

NM_014049.5(ACAD9):c.1692+2T>A

Genes: ACAD9 (acyl-CoA dehydrogenase family member 9; plus strand), CFAP92 (cilia and flagella associated protein 92 (putative); minus strand). Cytogenetic location: 3q21.3.
Variant type: single nucleotide variant.
Coding change: c.1692+2T>A on transcript NM_014049.5 (MANE Select); the canonical splice donor site of the intron after coding-DNA position 1692, T replaced by A.
Molecular consequence: splice donor variant. On other transcripts: 3 prime UTR variant (3).
Genome position (GRCh38, 1-based): chr3:128,910,151, T>A. VCF-style: chr3-128910151-T-A. GRCh37 (hg19) VCF-style: chr3-128628994-T-A.
Other names: c.*148A>T (NM_001348520.2, NM_001348521.2, NM_001394090.1); c.1323+2T>A (NM_001410805.1).
Identifiers: ClinVar variation 2834781 (VCV002834781.3), dbSNP rs2529283911, ClinGen allele CA354440129.
Genomic context (GRCh38, chr3:128,910,151, plus strand): 5'-CCGTGCTGTCGCGGGCCAGCCGCTCCATCCGCATTGGGCTCCGCAACCACGACCACGAGG[T>A]GAGCCCAGCCCAGCCTCACACAGGGCCTGGCTGCTGCCATCTGTCCTGCTGCACTTTAAT-3'